The following is an entry in ClinVar:

NM_182914.3(SYNE2):c.8873A>T (p.Glu2958Val)

Gene: SYNE2 (spectrin repeat containing nuclear envelope protein 2; plus strand). Cytogenetic location: 14q23.2.
Variant type: single nucleotide variant.
Coding change: c.8873A>T on transcript NM_182914.3 (MANE Select); coding-DNA position 8873, A replaced by T.
Protein change: p.Glu2958Val; replaces glutamic acid 2958 with valine.
Molecular consequence: missense variant.
Genome position (GRCh38, 1-based): chr14:64,052,786, A>T. VCF-style: chr14-64052786-A-T. GRCh37 (hg19) VCF-style: chr14-64519504-A-T.
Other names: c.8873A>T, p.Glu2958Val (NM_015180.6); short protein forms E2958V.
Identifiers: ClinVar variation 3642383 (VCV003642383.2).

ClinVar aggregate classification (germline): Uncertain significance (1 of 4 stars; one submission).

Conditions:
Emery-Dreifuss muscular dystrophy 5, autosomal dominant (EDMD5). Also called: EMERY-DREIFUSS MUSCULAR DYSTROPHY 5. Identifiers: Orphanet 261, MedGen C2751805, MONDO:0013072, OMIM 612999.

gnomAD v4.1: 3 of 1,612,408 alleles (0.00019%); highest among the groups gnomAD compares: Non-Finnish European, 0.00025%; no homozygotes.

Submission:

Labcorp Genetics (formerly Invitae), Labcorp
Classification: Uncertain significance for Emery-Dreifuss muscular dystrophy 5, autosomal dominant. Last evaluated: 2024-05-18. Review status: criteria provided, single submitter. Criteria: Invitae Variant Classification Sherloc (09022015). Collection method: clinical testing. Allele origin: germline.
Comment: This sequence change replaces glutamic acid, which is acidic and polar, with valine, which is neutral and non-polar, at codon 2958 of the SYNE2 protein (p.Glu2958Val). This variant is present in population databases (rs201443135, gnomAD 0.0009%). This variant has not been reported in the literature in individuals affected with SYNE2-related conditions. An algorithm developed to predict the effect of missense changes on protein structure and function (PolyPhen-2) suggests that this variant is likely to be disruptive. In summary, the available evidence is currently insufficient to determine the role of this variant in disease. Therefore, it has been classified as a Variant of Uncertain Significance.